The following is an entry in ClinVar:

ClinVar aggregate classification (germline): Likely benign. Review status: criteria provided, multiple submitters, no conflicts (2 of 4 stars). 2 submissions from 2 submitters: Likely benign (2). Last evaluated 2018-01-13.

Conditions:
Miller syndrome (POADS). Also called: GENEE-WIEDEMANN SYNDROME; Genee-Wiedemann acrofacial dysostosis. Identifiers: Orphanet 246, MedGen C0265257, MONDO:0009903, OMIM 263750.

Allele frequency attached by ClinVar (database versions not stated): gnomAD 0.00282 and 0.00311; TOPMed 0.00308; 1000 Genomes Project 30x 0.00312; 1000 Genomes Project 0.00379; gnomAD exomes 0.00428.

Submissions (2):

Illumina Laboratory Services, Illumina
Classification: Likely benign for Miller syndrome. Last evaluated: 2018-01-13. Review status: criteria provided, single submitter. Criteria: ICSL Variant Classification Criteria 13 December 2019. Collection method: clinical testing. Allele origin: germline.
Comment: This variant was observed in the ICSL laboratory as part of a predisposition screen in an ostensibly healthy population. It had not been previously curated by ICSL or reported in the Human Gene Mutation Database (HGMD: prior to June 1st, 2018), and was therefore a candidate for classification through an automated scoring system. Utilizing variant allele frequency, disease prevalence and penetrance estimates, and inheritance mode, an automated score was calculated to assess if this variant is too frequent to cause the disease. Based on the score and internal cut-off values, a variant classified as likely benign is not then subjected to further curation. The score for this variant resulted in a classification of likely benign for this disease.

Breakthrough Genomics
Classification: Likely benign. Review status: criteria provided, single submitter. Criteria: ACMG Guidelines, 2015. Collection method: not provided. Allele origin: germline. Inheritance: Autosomal recessive inheritance. Affected: yes.

NM_001361.5(DHODH):c.*139C>T

Genes: DHODH (dihydroorotate dehydrogenase (quinone); plus strand), LOC126862390 (MED14-independent group 3 enhancer GRCh37_chr16:72057307-72058506; plus strand). Cytogenetic location: 16q22.2.
Variant type: single nucleotide variant.
Coding change: c.*139C>T on transcript NM_001361.5 (MANE Select); 139 bases downstream of the stop codon, C replaced by T.
Molecular consequence: 3 prime UTR variant.
Genome position (GRCh38, 1-based): chr16:72,024,338, C>T. VCF-style: chr16-72024338-C-T. GRCh37 (hg19) VCF-style: chr16-72058237-C-T.
Identifiers: ClinVar variation 320443 (VCV000320443.6), dbSNP rs140263128, ClinGen allele CA10638309.